The following is an entry in ClinVar:

ClinVar aggregate classification (germline): Uncertain significance (1 of 4 stars; one submission).

Allele frequency attached by ClinVar (database versions not stated): TOPMed below 0.00001; gnomAD 0.00001; gnomAD exomes 0.00001.
gnomAD v4.1: 10 of 1,613,418 alleles (0.00062%); highest among the groups gnomAD compares: Non-Finnish European, 0.00085%; no homozygotes.

Submission:

Labcorp Genetics (formerly Invitae), Labcorp
Classification: Uncertain significance. Last evaluated: 2024-05-09. Review status: criteria provided, single submitter. Criteria: Invitae Variant Classification Sherloc (09022015). Collection method: clinical testing. Allele origin: germline.
Comment: This sequence change replaces proline, which is neutral and non-polar, with leucine, which is neutral and non-polar, at codon 702 of the C3 protein (p.Pro702Leu). This variant is not present in population databases (gnomAD no frequency). This variant has not been reported in the literature in individuals affected with C3-related conditions. Advanced modeling of protein sequence and biophysical properties (such as structural, functional, and spatial information, amino acid conservation, physicochemical variation, residue mobility, and thermodynamic stability) performed at Invitae indicates that this missense variant is not expected to disrupt C3 protein function with a negative predictive value of 80%. In summary, the available evidence is currently insufficient to determine the role of this variant in disease. Therefore, it has been classified as a Variant of Uncertain Significance.

NM_000064.4(C3):c.2105C>T (p.Pro702Leu)

Gene: C3 (complement C3; minus strand). Cytogenetic location: 19p13.3.
Variant type: single nucleotide variant.
Coding change: c.2105C>T on transcript NM_000064.4 (MANE Select); coding-DNA position 2105, C replaced by T.
Protein change: p.Pro702Leu; replaces proline 702 with leucine.
Molecular consequence: missense variant.
Genome position (GRCh38, 1-based): chr19:6,707,216, G>A on the plus strand (C>T on the coding strand, the complement: C3 is on the minus strand). VCF-style: chr19-6707216-G-A. GRCh37 (hg19) VCF-style: chr19-6707227-G-A.
Other names: short protein forms P702L.
Identifiers: ClinVar variation 2973271 (VCV002973271.3), dbSNP rs1332141872, ClinGen allele CA403637265.
Genomic context (GRCh38, chr19:6,707,216, plus strand): 5'-TTCTTGCACGCCTCGCCCAGGGAGATGAAACGGGTCCGGCGCTGGCACGAGAACCTCATG[G>A]GGTTCTCCCGCATGCCGTCCTCGCAGCACTTGCGCAGCTCCTTGGGGTACTTGCCGACTG-3'
Protein context (NP_000055.2, residues 692-712): KCCEDGMREN[Pro702Leu]MRFSCQRRTR